The following is an entry in ClinVar:

NM_006766.5(KAT6A):c.3413T>C (p.Leu1138Pro)

Gene: KAT6A (lysine acetyltransferase 6A; minus strand). Cytogenetic location: 8p11.21.
Variant type: single nucleotide variant.
Coding change: c.3413T>C on transcript NM_006766.5 (MANE Select); coding-DNA position 3413, T replaced by C.
Protein change: p.Leu1138Pro; replaces leucine 1138 with proline.
Molecular consequence: missense variant.
Genome position (GRCh38, 1-based): chr8:41,934,807, A>G on the plus strand (T>C on the coding strand, the complement: KAT6A is on the minus strand). VCF-style: chr8-41934807-A-G. GRCh37 (hg19) VCF-style: chr8-41792325-A-G.
Other names: short protein forms L1138P.
Identifiers: ClinVar variation 2715542 (VCV002715542.3), dbSNP rs1821768954, ClinGen allele CA371069209.

ClinVar aggregate classification (germline): Uncertain significance (1 of 4 stars; one submission).

Submission:

Labcorp Genetics (formerly Invitae), Labcorp
Classification: Uncertain significance. Last evaluated: 2024-08-14. Review status: criteria provided, single submitter. Criteria: Invitae Variant Classification Sherloc (09022015). Collection method: clinical testing. Allele origin: germline.
Comment: This sequence change replaces leucine, which is neutral and non-polar, with proline, which is neutral and non-polar, at codon 1138 of the KAT6A protein (p.Leu1138Pro). This variant is not present in population databases (gnomAD no frequency). This variant has not been reported in the literature in individuals affected with KAT6A-related conditions. An algorithm developed to predict the effect of missense changes on protein structure and function (PolyPhen-2) suggests that this variant is likely to be disruptive. In summary, the available evidence is currently insufficient to determine the role of this variant in disease. Therefore, it has been classified as a Variant of Uncertain Significance.